The following is an entry in ClinVar:

ClinVar aggregate classification (germline): Conflicting classifications of pathogenicity. Review status: criteria provided, conflicting classifications (1 of 4 stars). 3 submissions from 3 submitters: Uncertain significance (2); Likely benign (1). Last evaluated 2022-12-01.

Allele frequency attached by ClinVar (database versions not stated): ESP Exome Variant Server 0.00015.
gnomAD v4.1: 61 of 1,609,868 alleles (0.0038%); highest among the groups gnomAD compares: Non-Finnish European, 0.0046%; no homozygotes.

Submissions (3):

Ambry Genetics
Classification: Likely benign. Last evaluated: 2022-12-01. Review status: criteria provided, single submitter. Criteria: Ambry Variant Classification Scheme 2023. Collection method: clinical testing. Allele origin: germline.

Labcorp Genetics (formerly Invitae), Labcorp
Classification: Uncertain significance. Last evaluated: 2022-03-02. Review status: criteria provided, single submitter. Criteria: Invitae Variant Classification Sherloc (09022015). Collection method: clinical testing. Allele origin: germline.
Comment: This variant has not been reported in the literature in individuals affected with CCDC141-related conditions. In summary, the available evidence is currently insufficient to determine the role of this variant in disease. Therefore, it has been classified as a Variant of Uncertain Significance. Algorithms developed to predict the effect of sequence changes on RNA splicing suggest that this variant may create or strengthen a splice site. Algorithms developed to predict the effect of missense changes on protein structure and function output the following: SIFT: "Tolerated"; PolyPhen-2: "Benign"; Align-GVGD: "Class C0". The arginine amino acid residue is found in multiple mammalian species, which suggests that this missense change does not adversely affect protein function. This variant is present in population databases (rs148275217, gnomAD 0.005%). This sequence change replaces lysine, which is basic and polar, with arginine, which is basic and polar, at codon 804 of the CCDC141 protein (p.Lys804Arg).

Breakthrough Genomics
Classification: Uncertain significance. Review status: criteria provided, single submitter. Criteria: ACMG Guidelines, 2015. Collection method: not provided. Allele origin: germline. Inheritance: Unknown mechanism. Affected: yes.

NM_173648.4(CCDC141):c.2411A>G (p.Lys804Arg)

Gene: CCDC141 (coiled-coil domain containing 141; minus strand). Cytogenetic location: 2q31.2.
Variant type: single nucleotide variant.
Coding change: c.2411A>G on transcript NM_173648.4 (MANE Select); coding-DNA position 2411, A replaced by G.
Protein change: p.Lys804Arg; replaces lysine 804 with arginine.
Molecular consequence: missense variant.
Genome position (GRCh38, 1-based): chr2:178,868,189, T>C on the plus strand (A>G on the coding strand, the complement: CCDC141 is on the minus strand). VCF-style: chr2-178868189-T-C. GRCh37 (hg19) VCF-style: chr2-179732916-T-C.
Other names: c.2411A>G (NM_173648.3); short protein forms K804R.
Identifiers: ClinVar variation 1434411 (VCV001434411.8), dbSNP rs148275217, ClinGen allele CA2007017.